The following is an entry in ClinVar:

ClinVar aggregate classification (germline): Likely benign (1 of 4 stars; one submission).

Conditions:
Immunodeficiency 51 (IMD51). Also called: CANDIDIASIS, FAMILIAL, 5. Identifiers: Orphanet 1334, MedGen C4310803, MONDO:0013500, OMIM 613953.

Allele frequency attached by ClinVar (database versions not stated): TOPMed 0.00027; 1000 Genomes Project 30x 0.00125; 1000 Genomes Project 0.00140.

Submission:

Illumina Laboratory Services, Illumina
Classification: Likely benign for Immunodeficiency 51. Last evaluated: 2018-01-13. Review status: criteria provided, single submitter. Criteria: ICSL Variant Classification Criteria 13 December 2019. Collection method: clinical testing. Allele origin: germline.
Comment: This variant was observed in the ICSL laboratory as part of a predisposition screen in an ostensibly healthy population. It had not been previously curated by ICSL or reported in the Human Gene Mutation Database (HGMD: prior to June 1st, 2018), and was therefore a candidate for classification through an automated scoring system. Utilizing variant allele frequency, disease prevalence and penetrance estimates, and inheritance mode, an automated score was calculated to assess if this variant is too frequent to cause the disease. Based on the score and internal cut-off values, a variant classified as likely benign is not then subjected to further curation. The score for this variant resulted in a classification of likely benign for this disease.

NM_014339.7(IL17RA):c.*1338G>A

Gene: IL17RA (interleukin 17 receptor A; plus strand). Cytogenetic location: 22q11.1.
Variant type: single nucleotide variant.
Coding change: c.*1338G>A on transcript NM_014339.7 (MANE Select); 1338 bases downstream of the stop codon, G replaced by A.
Molecular consequence: 3 prime UTR variant.
Genome position (GRCh38, 1-based): chr22:17,111,158, G>A. VCF-style: chr22-17111158-G-A. GRCh37 (hg19) VCF-style: chr22-17592048-G-A.
Other names: c.*1338G>A (NM_001289905.2).
Identifiers: ClinVar variation 896699 (VCV000896699.4), dbSNP rs192058258, ClinGen allele CA321155620.